The following is an entry in ClinVar:

ClinVar aggregate classification (germline): Conflicting classifications of pathogenicity. Review status: criteria provided, conflicting classifications (1 of 4 stars). 5 submissions from 5 submitters: Uncertain significance (4); Likely benign (1). Last evaluated 2025-02-19.

Conditions:
Hereditary cancer-predisposing syndrome. Also called: Hereditary Cancer Syndrome; Neoplastic Syndromes, Hereditary; Tumor predisposition; Hereditary neoplastic syndrome. Identifiers: Orphanet 140162, MedGen C0027672, MeSH D009386, MONDO:0015356.
Familial cancer of breast. Also called: BREAST CANCER, FAMILIAL; Hereditary breast cancer; hereditary breast carcinoma. Identifiers: Orphanet 227535, MedGen C0346153, MONDO:0016419, OMIM 114480. Disease mechanism: loss of function.
Fanconi anemia complementation group J. Also called: BRIP1-Related Fanconi Anemia. Identifiers: Orphanet 84, MedGen C1836860, MONDO:0012187, OMIM 609054.

Allele frequency attached by ClinVar (database versions not stated): gnomAD exomes below 0.00001.
gnomAD v4.1: 1 of 1,613,874 alleles (0.000062%); highest among the groups gnomAD compares: Non-Finnish European, 0.000085%; no homozygotes.

Submissions (5):

Labcorp Genetics (formerly Invitae), Labcorp
Classification: Uncertain significance for Familial cancer of breast; Fanconi anemia complementation group J. Last evaluated: 2025-02-19. Review status: criteria provided, single submitter. Criteria: Invitae Variant Classification Sherloc (09022015). Collection method: clinical testing. Allele origin: germline.
Comment: This sequence change falls in intron 15 of the BRIP1 gene. It does not directly change the encoded amino acid sequence of the BRIP1 protein. It affects a nucleotide within the consensus splice site. This variant is not present in population databases (gnomAD no frequency). This variant has not been reported in the literature in individuals affected with BRIP1-related conditions. ClinVar contains an entry for this variant (Variation ID: 187218). Variants that disrupt the consensus splice site are a relatively common cause of aberrant splicing (PMID: 17576681, 9536098). Algorithms developed to predict the effect of sequence changes on RNA splicing suggest that this variant may disrupt the consensus splice site. In summary, the available evidence is currently insufficient to determine the role of this variant in disease. Therefore, it has been classified as a Variant of Uncertain Significance.

Baylor Genetics
Classification: Uncertain significance for Familial cancer of breast. Last evaluated: 2022-01-23. Review status: criteria provided, single submitter. Criteria: ACMG Guidelines, 2015. Collection method: clinical testing. Allele origin: unknown.

Ambry Genetics
Classification: Likely benign for Hereditary cancer-predisposing syndrome. Last evaluated: 2021-06-15. Review status: criteria provided, single submitter. Criteria: Ambry Variant Classification Scheme 2023. Collection method: clinical testing. Allele origin: germline.

Color Diagnostics, LLC DBA Color Health
Classification: Uncertain significance for Hereditary cancer-predisposing syndrome. Last evaluated: 2019-04-25. Review status: criteria provided, single submitter. Criteria: ACMG Guidelines, 2015. Collection method: clinical testing. Allele origin: germline.

Quest Diagnostics Nichols Institute San Juan Capistrano
Classification: Uncertain significance. Last evaluated: 2017-03-25. Review status: criteria provided, single submitter. Criteria: Quest Diagnostics criteria. Collection method: clinical testing. Allele origin: germline.

Literature cited by the submitters: PubMed 17576681 (cited by Labcorp Genetics (formerly Invitae), Labcorp); PubMed 9536098 (cited by Labcorp Genetics (formerly Invitae), Labcorp).

NM_032043.3(BRIP1):c.2258-3A>G

Gene: BRIP1 (BRCA1 interacting DNA helicase 1; minus strand). Cytogenetic location: 17q23.2.
Variant type: single nucleotide variant.
Coding change: c.2258-3A>G on transcript NM_032043.3 (MANE Select); 3 bases into the intron before coding-DNA position 2258, A replaced by G.
Molecular consequence: intron variant.
Genome position (GRCh38, 1-based): chr17:61,743,137, T>C on the plus strand (A>G on the coding strand, the complement: BRIP1 is on the minus strand). VCF-style: chr17-61743137-T-C. GRCh37 (hg19) VCF-style: chr17-59820498-T-C.
Identifiers: ClinVar variation 187218 (VCV000187218.18), dbSNP rs786203561, ClinGen allele CA197042.